The following is an entry in ClinVar:

ClinVar aggregate classification (germline): Uncertain significance. Review status: criteria provided, multiple submitters, no conflicts (2 of 4 stars). 3 submissions from 3 submitters: Uncertain significance (3). Last evaluated 2025-03-30.

Conditions:
Inborn genetic diseases. Identifiers: MedGen C0950123, MeSH D030342.
Brachyolmia-amelogenesis imperfecta syndrome. Also called: Tooth agenesis, selective, 6; Dental anomalies and short stature; PLATYSPONDYLY WITH AMELOGENESIS IMPERFECTA. Identifiers: Orphanet 2899, MedGen C1832594, MONDO:0011018, OMIM 601216. Disease mechanism: loss of function.

gnomAD v4.1: 4 of 1,494,550 alleles (0.00027%); highest among the groups gnomAD compares: African/African-American, 0.0058%; no homozygotes.

Submissions (3):

Ambry Genetics
Classification: Uncertain significance for Inborn genetic diseases. Last evaluated: 2025-03-30. Review status: criteria provided, single submitter. Criteria: Ambry Variant Classification Scheme 2023. Collection method: clinical testing. Allele origin: germline.

Labcorp Genetics (formerly Invitae), Labcorp
Classification: Uncertain significance for Brachyolmia-amelogenesis imperfecta syndrome. Last evaluated: 2025-02-06. Review status: criteria provided, single submitter. Criteria: Invitae Variant Classification Sherloc (09022015). Collection method: clinical testing. Allele origin: germline.
Comment: This sequence change replaces arginine, which is basic and polar, with histidine, which is basic and polar, at codon 1281 of the LTBP3 protein (p.Arg1281His). This variant is not present in population databases (gnomAD no frequency). This variant has not been reported in the literature in individuals affected with LTBP3-related conditions. An algorithm developed to predict the effect of missense changes on protein structure and function (PolyPhen-2) suggests that this variant is likely to be disruptive. In summary, the available evidence is currently insufficient to determine the role of this variant in disease. Therefore, it has been classified as a Variant of Uncertain Significance.

Blueprint Genetics
Classification: Uncertain significance. Last evaluated: 2023-12-18. Review status: criteria provided, single submitter. Criteria: ACMG Guidelines, 2015. Collection method: clinical testing. Allele origin: germline.

NM_001130144.3(LTBP3):c.3842G>A (p.Arg1281His)

Gene: LTBP3 (latent transforming growth factor beta binding protein 3; minus strand). Cytogenetic location: 11q13.1.
Variant type: single nucleotide variant.
Coding change: c.3842G>A on transcript NM_001130144.3 (MANE Select); coding-DNA position 3842, G replaced by A.
Protein change: p.Arg1281His; replaces arginine 1281 with histidine.
Molecular consequence: missense variant.
Genome position (GRCh38, 1-based): chr11:65,539,150, C>T on the plus strand (G>A on the coding strand, the complement: LTBP3 is on the minus strand). VCF-style: chr11-65539150-C-T. GRCh37 (hg19) VCF-style: chr11-65306621-C-T.
Other names: c.3350G>A, p.Arg1117His (NM_001164266.1); c.3701G>A, p.Arg1234His (NM_021070.4); short protein forms R1117H, R1234H, R1281H.
Identifiers: ClinVar variation 4049896 (VCV004049896.3).
Genomic context (GRCh38, chr11:65,539,150, plus strand): 5'-CGCTGGGGAACGCAGGCCCCGTGCGGGCGGCTGCGCGCGAAGCCGGCTTTGCAGACGCAG[C>T]GGAAGGAGCCGCTGGTGTTCACGCAGCGCTCGCTCTTGCACAGCAGCCCGCGCTGGTTCA-3'
Protein context (NP_001123616.1, residues 1271-1291): ERCVNTSGSF[Arg1281His]CVCKAGFARS